The following is an entry in ClinVar:

NC_000015.9:g.(?_49030446)_(49044686_?)del

Gene: CEP152 (centrosomal protein 152; minus strand). Cytogenetic location: 15q21.1.
Variant type: Deletion.
Identifiers: ClinVar variation 1450351 (VCV001450351.5).

ClinVar aggregate classification (germline): Uncertain significance (1 of 4 stars; one submission).

Submission:

Labcorp Genetics (formerly Invitae), Labcorp
Classification: Uncertain significance. Last evaluated: 2022-08-31. Review status: criteria provided, single submitter. Criteria: Invitae Variant Classification Sherloc (09022015). Collection method: clinical testing. Allele origin: germline.
Comment: In summary, the available evidence is currently insufficient to determine the role of this variant in disease. Therefore, it has been classified as a Variant of Uncertain Significance. Experimental studies and prediction algorithms are not available or were not evaluated, and the functional significance of this variant is currently unknown. This variant has not been reported in the literature in individuals affected with CEP152-related conditions. This variant is a gross deletion of the genomic region encompassing exon(s) 21-26 of the CEP152 gene, which includes the termination codon. This deletion extends beyond the assayed region for this gene and therefore may encompass additional genes. While this deletion is not anticipated to lead to nonsense mediated decay, it is expected to alter mRNA translation or result in a truncated protein product.